The following is an entry in ClinVar:

ClinVar aggregate classification (germline): Conflicting classifications of pathogenicity. Review status: criteria provided, conflicting classifications (1 of 4 stars). 5 submissions from 5 submitters: Uncertain significance (1); Benign (2); Likely benign (2). Last evaluated 2026-02-01.

Conditions:
Long QT syndrome (LQTS). Identifiers: MedGen C0023976, MeSH D008133, MONDO:0002442. Disease mechanism: loss of function. Inheritance: Various modes of inheritance.
Cardiac arrhythmia, ankyrin-B-related. Also called: ANKYRIN-B SYNDROME. Identifiers: Orphanet 101016, Orphanet 768, MedGen C1970119, MONDO:0010958, OMIM 600919.
Cardiovascular phenotype. Identifiers: MedGen CN230736.

Allele frequency attached by ClinVar (database versions not stated): ESP Exome Variant Server 0.00031; gnomAD 0.00038 and 0.00040; TOPMed 0.00047; 1000 Genomes Project 30x 0.00078; 1000 Genomes Project 0.00100.
gnomAD v4.1: 269 of 1,613,426 alleles (0.017%); highest among the groups gnomAD compares: African/African-American, 0.15%; no homozygotes.

Submissions (5):

Labcorp Genetics (formerly Invitae), Labcorp
Classification: Benign for Long QT syndrome. Last evaluated: 2026-02-01. Review status: criteria provided, single submitter. Criteria: Invitae Variant Classification Sherloc (09022015). Collection method: clinical testing. Allele origin: germline.

Mayo Clinic Laboratories, Mayo Clinic
Classification: Likely benign. Last evaluated: 2025-11-22. Review status: criteria provided, single submitter. Criteria: ACMG Guidelines, 2015. Collection method: clinical testing. Allele origin: germline. Observed: 1 variant allele.
Comment: BS1, BP4, BP7

Ambry Genetics
Classification: Likely benign for Cardiovascular phenotype. Last evaluated: 2018-08-08. Review status: criteria provided, single submitter. Criteria: Ambry Variant Classification Scheme 2023. Collection method: clinical testing. Allele origin: germline.

Illumina Laboratory Services, Illumina
Classification: Uncertain significance for Cardiac arrhythmia, ankyrin-B-related. Last evaluated: 2018-01-12. Review status: criteria provided, single submitter. Criteria: ICSL Variant Classification Criteria 13 December 2019. Collection method: clinical testing. Allele origin: germline.

GeneDx
Classification: Benign. Last evaluated: 2015-08-12. Review status: criteria provided, single submitter. Criteria: GeneDx Variant Classification (06012015). Collection method: clinical testing. Allele origin: germline. Affected: yes.
Comment: This variant is considered likely benign or benign based on one or more of the following criteria: it is a conservative change, it occurs at a poorly conserved position in the protein, it is predicted to be benign by multiple in silico algorithms, and/or has population frequency not consistent with disease.

NM_001148.6(ANK2):c.198C>T (p.Asn66=)

Gene: ANK2 (ankyrin 2; plus strand). Cytogenetic location: 4q25.
Variant type: single nucleotide variant.
Coding change: c.198C>T on transcript NM_001148.6 (MANE Select); coding-DNA position 198, C replaced by T.
Protein change: p.Asn66=; no amino-acid change (asparagine 66 retained).
Molecular consequence: synonymous variant.
Genome position (GRCh38, 1-based): chr4:113,196,379, C>T. VCF-style: chr4-113196379-C-T. GRCh37 (hg19) VCF-style: chr4-114117535-C-T.
Other names: p.Asn66=; c.135C>T, p.Asn45= (NM_001127493.3, NM_001354239.2, NM_001354243.2 and 33 more transcripts); c.198C>T, p.Asn66= (NM_001354225.2, NM_001354228.2, NM_001354232.2 and 9 more transcripts); c.243C>T, p.Asn81= (NM_001354230.2, NM_001354231.2, NM_001354237.2 and 5 more transcripts); c.180C>T, p.Asn60= (NM_001354261.2, NM_001386147.1, NM_001386160.1); c.186C>T, p.Asn62= (NM_001354269.3, NM_001386148.2, NM_001386186.2 and 1 more transcripts); c.249C>T, p.Asn83= (NM_001386174.1, NM_001386175.1); c.198C>T (NM_020977.4).
Identifiers: ClinVar variation 347302 (VCV000347302.17), dbSNP rs146964054, ClinGen allele CA3049967.
Genomic context (GRCh38, chr4:113,196,379, plus strand): 5'-TTTTCCTCATTACTTCACTTCTTAAAGCCTTGTTTGTTTCTTCTCTCAGAATGGACTCAA[C>T]GCTCTCCATCTGGCTGCCAAGGAAGGCCACGTGGGGCTGGTGCAGGAGCTGCTGGGAAGA-3'
Protein context (NP_001139.3, residues 56-76): DINTCNQNGL[Asn66=]ALHLAAKEGH